The following is an entry in ClinVar:

NM_004423.4(DVL3):c.1487A>G (p.Asp496Gly)

Gene: DVL3 (dishevelled segment polarity protein 3; plus strand). Cytogenetic location: 3q27.1.
Variant type: single nucleotide variant.
Coding change: c.1487A>G on transcript NM_004423.4 (MANE Select); coding-DNA position 1487, A replaced by G.
Protein change: p.Asp496Gly; replaces aspartic acid 496 with glycine.
Molecular consequence: missense variant.
Genome position (GRCh38, 1-based): chr3:184,168,054, A>G. VCF-style: chr3-184168054-A-G. GRCh37 (hg19) VCF-style: chr3-183885842-A-G.
Other names: short protein forms D496G.
Identifiers: ClinVar variation 4245686 (VCV004245686.2).

ClinVar aggregate classification (germline): Uncertain significance. Review status: criteria provided, multiple submitters, no conflicts (2 of 4 stars). 2 submissions from 2 submitters: Uncertain significance (2). Last evaluated 2025-08-10.

Conditions:
Inborn genetic diseases. Identifiers: MedGen C0950123, MeSH D030342.

Submissions (2):

Ambry Genetics
Classification: Uncertain significance for Inborn genetic diseases. Last evaluated: 2025-08-10. Review status: criteria provided, single submitter. Criteria: Ambry Variant Classification Scheme 2023. Collection method: clinical testing. Allele origin: germline.

Labcorp Genetics (formerly Invitae), Labcorp
Classification: Uncertain significance. Last evaluated: 2025-03-22. Review status: criteria provided, single submitter. Criteria: Invitae Variant Classification Sherloc (09022015). Collection method: clinical testing. Allele origin: germline.
Comment: This sequence change replaces aspartic acid, which is acidic and polar, with glycine, which is neutral and non-polar, at codon 496 of the DVL3 protein (p.Asp496Gly). This variant is present in population databases (no rsID available, gnomAD 0.003%). This variant has not been reported in the literature in individuals affected with DVL3-related conditions. Invitae Evidence Modeling of protein sequence and biophysical properties (such as structural, functional, and spatial information, amino acid conservation, physicochemical variation, residue mobility, and thermodynamic stability) has been performed for this missense variant. However, the output from this modeling did not meet the statistical confidence thresholds required to predict the impact of this variant on DVL3 protein function. In summary, the available evidence is currently insufficient to determine the role of this variant in disease. Therefore, it has been classified as a Variant of Uncertain Significance.